The following is an entry in ClinVar:

ClinVar aggregate classification (germline): Uncertain significance (1 of 4 stars; one submission).

Conditions:
Norman-Roberts syndrome (LIS2). Also called: Lissencephaly 2 (Norman-Roberts type). Identifiers: Orphanet 89844, MedGen C0796089, MONDO:0009760, OMIM 257320.
Familial temporal lobe epilepsy 7. Identifiers: Orphanet 101046, MedGen C4225327, MONDO:0014639, OMIM 616436.

Submission:

Labcorp Genetics (formerly Invitae), Labcorp
Classification: Uncertain significance for Familial temporal lobe epilepsy 7; Norman-Roberts syndrome. Last evaluated: 2022-07-05. Review status: criteria provided, single submitter. Criteria: Invitae Variant Classification Sherloc (09022015). Collection method: clinical testing. Allele origin: germline.
Comment: In summary, the available evidence is currently insufficient to determine the role of this variant in disease. Therefore, it has been classified as a Variant of Uncertain Significance. Algorithms developed to predict the effect of missense changes on protein structure and function output the following: SIFT: "Tolerated"; PolyPhen-2: "Benign"; Align-GVGD: "Class C0". The isoleucine amino acid residue is found in multiple mammalian species, which suggests that this missense change does not adversely affect protein function. This variant has not been reported in the literature in individuals affected with RELN-related conditions. This variant is not present in population databases (gnomAD no frequency). This sequence change replaces valine, which is neutral and non-polar, with isoleucine, which is neutral and non-polar, at codon 2719 of the RELN protein (p.Val2719Ile).

NM_005045.4(RELN):c.8155G>A (p.Val2719Ile)

Genes: SLC26A5-AS1 (SLC26A5 antisense RNA 1; plus strand), RELN (reelin; minus strand). Cytogenetic location: 7q22.1.
Variant type: single nucleotide variant.
Coding change: c.8155G>A on transcript NM_005045.4 (MANE Select); coding-DNA position 8155, G replaced by A.
Protein change: p.Val2719Ile; replaces valine 2719 with isoleucine.
Molecular consequence: missense variant.
Genome position (GRCh38, 1-based): chr7:103,510,970, C>T on the plus strand (G>A on the coding strand, the complement: RELN is on the minus strand). VCF-style: chr7-103510970-C-T. GRCh37 (hg19) VCF-style: chr7-103151417-C-T.
Other names: c.8155G>A, p.Val2719Ile (NM_173054.3); short protein forms V2719I.
Identifiers: ClinVar variation 1965101 (VCV001965101.5), dbSNP rs2484732520, ClinGen allele CA368761774.
Genomic context (GRCh38, chr7:103,510,970, plus strand): 5'-CCCGTCCATCATGACTGCCACAGAGCATCACACCATCAGGGGAGTCACAGAATCTTTCTA[C>T]TGTACAATCATCATGGAATAGCCAGTGCTCATTCACTTAAAACAAAAAAACAAAATTTTA-3'
Protein context (NP_005036.2, residues 2709-2729): EHWLFHDDCT[Val2719Ile]ERFCDSPDGV